The following is an entry in ClinVar:

NM_006509.4(RELB):c.362C>A (p.Pro121Gln)

Gene: RELB (RELB proto-oncogene, NF-kB subunit; plus strand). Cytogenetic location: 19q13.32.
Variant type: single nucleotide variant.
Coding change: c.362C>A on transcript NM_006509.4 (MANE Select); coding-DNA position 362, C replaced by A.
Protein change: p.Pro121Gln; replaces proline 121 with glutamine.
Molecular consequence: missense variant.
Genome position (GRCh38, 1-based): chr19:45,012,134, C>A. VCF-style: chr19-45012134-C-A. GRCh37 (hg19) VCF-style: chr19-45515392-C-A.
Other names: c.353C>A, p.Pro118Gln (NM_001411087.1); short protein forms P121Q, P118Q.
Identifiers: ClinVar variation 1971941 (VCV001971941.5), dbSNP rs376331542, ClinGen allele CA308929361.
Genomic context (GRCh38, chr19:45,012,134, plus strand): 5'-CAGCCACGCCGCCGCCTTGGGGCTGCCCCCTGGGCCGACTAGTGTCCCCAGCGCCGGGCC[C>A]GGGCCCGCAGCCGCACCTGGTCATCACGGAGCAGCCCAAGCAGCGCGGCATGCGCTTCCG-3'
Protein context (NP_006500.2, residues 111-131): LGRLVSPAPG[Pro121Gln]GPQPHLVITE

ClinVar aggregate classification (germline): Uncertain significance (1 of 4 stars; one submission).

gnomAD v4.1: 11 of 1,555,988 alleles (0.00071%); highest among the groups gnomAD compares: African/African-American, 0.0057%; no homozygotes.

Submission:

Labcorp Genetics (formerly Invitae), Labcorp
Classification: Uncertain significance. Last evaluated: 2022-05-18. Review status: criteria provided, single submitter. Criteria: Invitae Variant Classification Sherloc (09022015). Collection method: clinical testing. Allele origin: germline.
Comment: Algorithms developed to predict the effect of missense changes on protein structure and function are either unavailable or do not agree on the potential impact of this missense change (SIFT: "Deleterious"; PolyPhen-2: "Possibly Damaging"; Align-GVGD: "Class C0"). This sequence change replaces proline, which is neutral and non-polar, with glutamine, which is neutral and polar, at codon 121 of the RELB protein (p.Pro121Gln). The frequency data for this variant in the population databases is considered unreliable, as metrics indicate poor data quality at this position in the gnomAD database. This variant has not been reported in the literature in individuals affected with RELB-related conditions. In summary, the available evidence is currently insufficient to determine the role of this variant in disease. Therefore, it has been classified as a Variant of Uncertain Significance.